The following is an entry in ClinVar:

ClinVar aggregate classification (germline): Likely pathogenic (1 of 4 stars; one submission).

Conditions:
Early-infantile DEE. Also called: Ohtahara syndrome; Early infantile epileptic encephalopathy with suppression bursts; Early infantile epileptic encephalopathy. Identifiers: Orphanet 1934, MedGen C0393706, MONDO:0800491.

Submission:

Labcorp Genetics (formerly Invitae), Labcorp
Classification: Likely pathogenic for Early-infantile DEE. Last evaluated: 2020-11-26. Review status: criteria provided, single submitter. Criteria: Invitae Variant Classification Sherloc (09022015). Collection method: clinical testing. Allele origin: germline.
Comment: This sequence change replaces phenylalanine with leucine at codon 1620 of the SCN1A protein (p.Phe1620Leu). The phenylalanine residue is highly conserved and there is a small physicochemical difference between phenylalanine and leucine. In summary, the currently available evidence indicates that the variant is pathogenic, but additional data are needed to prove that conclusively. Therefore, this variant has been classified as Likely Pathogenic. This variant is not present in population databases (ExAC no frequency). Algorithms developed to predict the effect of missense changes on protein structure and function (SIFT, PolyPhen-2, Align-GVGD) all suggest that this variant is likely to be tolerated, but these predictions have not been confirmed by published functional studies and their clinical significance is uncertain. This missense change has been observed in individual(s) with SCN1A-related conditions (Invitae). In at least one individual the variant was observed to be de novo.

NM_001165963.4(SCN1A):c.4860T>A (p.Phe1620Leu)

Genes: SCN1A (sodium voltage-gated channel alpha subunit 1; minus strand), LOC102724058 (uncharacterized LOC102724058; plus strand). Cytogenetic location: 2q24.3.
Variant type: single nucleotide variant.
Coding change: c.4860T>A on transcript NM_001165963.4 (MANE Select); coding-DNA position 4860, T replaced by A.
Protein change: p.Phe1620Leu; replaces phenylalanine 1620 with leucine.
Molecular consequence: missense variant. On other transcripts: non-coding transcript variant (1).
Genome position (GRCh38, 1-based): chr2:165,992,415, A>T on the plus strand (T>A on the coding strand, the complement: SCN1A is on the minus strand). VCF-style: chr2-165992415-A-T. GRCh37 (hg19) VCF-style: chr2-166848925-A-T.
Other names: c.4776T>A, p.Phe1592Leu (NM_001165964.3, NM_001353957.2, NM_001353958.2); c.4860T>A, p.Phe1620Leu (NM_001202435.3, NM_001353948.2); c.4827T>A, p.Phe1609Leu (NM_001353949.2, NM_001353950.2, NM_001353951.2 and 2 more transcripts); c.4824T>A, p.Phe1608Leu (NM_001353954.2, NM_001353955.2); c.4773T>A, p.Phe1591Leu (NM_001353960.2); c.2418T>A, p.Phe806Leu (NM_001353961.2); short protein forms F1609L, F806L, F1591L, F1608L, F1592L, F1620L.
Identifiers: ClinVar variation 1480347 (VCV001480347.9), dbSNP rs2105435603, ClinGen allele CA349070747.